The following is an entry in ClinVar:

ClinVar aggregate classification (germline): Likely benign (1 of 4 stars; one submission).

Submission:

CeGaT Center for Human Genetics Tuebingen
Classification: Likely benign. Last evaluated: 2025-08-01. Review status: criteria provided, single submitter. Criteria: CeGaT Center For Human Genetics Tuebingen Variant Classification Criteria Version 2. Collection method: clinical testing. Allele origin: germline. Affected: yes. Observed: 1 variant allele.
Comment: HLA-DRB1: PM2:Supporting, BP4, BP7

NM_002124.4(HLA-DRB1):c.363G>A (p.Gln121=)

Gene: HLA-DRB1 (major histocompatibility complex, class II, DR beta 1; minus strand). Cytogenetic location: 6p21.32.
Variant type: single nucleotide variant.
Coding change: c.363G>A on transcript NM_002124.4 (MANE Select); coding-DNA position 363, G replaced by A.
Protein change: p.Gln121=; no amino-acid change (glutamine 121 retained).
Molecular consequence: synonymous variant.
Genome position (GRCh38, 1-based): chr6:32,584,116, C>T on the plus strand (G>A on the coding strand, the complement: HLA-DRB1 is on the minus strand). VCF-style: chr6-32584116-C-T. GRCh37 (hg19) VCF-style: chr6-32551893-C-T.
Identifiers: ClinVar variation 4083985 (VCV004083985.8).